The following is an entry in ClinVar:

NM_004706.4(ARHGEF1):c.1900A>T (p.Met634Leu)

Gene: ARHGEF1 (Rho guanine nucleotide exchange factor 1; plus strand). Cytogenetic location: 19q13.2.
Variant type: single nucleotide variant.
Coding change: c.1900A>T on transcript NM_004706.4 (MANE Select); coding-DNA position 1900, A replaced by T.
Protein change: p.Met634Leu; replaces methionine 634 with leucine.
Molecular consequence: missense variant. On other transcripts: non-coding transcript variant (2).
Genome position (GRCh38, 1-based): chr19:41,903,767, A>T. VCF-style: chr19-41903767-A-T. GRCh37 (hg19) VCF-style: chr19-42407919-A-T.
Other names: c.2068A>T, p.Met690Leu (NM_001396000.1); c.1801A>T, p.Met601Leu (NM_001396002.1, NM_001396004.1, NM_198977.2); c.1900A>T, p.Met634Leu (NM_001396003.1, NM_001396006.1); c.1945A>T, p.Met649Leu (NM_199002.2); short protein forms M649L, M601L, M634L, M690L.
Identifiers: ClinVar variation 3641495 (VCV003641495.2).

ClinVar aggregate classification (germline): Uncertain significance (1 of 4 stars; one submission).

Submission:

Labcorp Genetics (formerly Invitae), Labcorp
Classification: Uncertain significance. Last evaluated: 2024-02-17. Review status: criteria provided, single submitter. Criteria: Invitae Variant Classification Sherloc (09022015). Collection method: clinical testing. Allele origin: germline.
Comment: This sequence change replaces methionine, which is neutral and non-polar, with leucine, which is neutral and non-polar, at codon 649 of the ARHGEF1 protein (p.Met649Leu). This variant is not present in population databases (gnomAD no frequency). This variant has not been reported in the literature in individuals affected with ARHGEF1-related conditions. Algorithms developed to predict the effect of missense changes on protein structure and function output the following: SIFT: "Not Available"; PolyPhen-2: "Benign"; Align-GVGD: "Not Available". The leucine amino acid residue is found in multiple mammalian species, which suggests that this missense change does not adversely affect protein function. In summary, the available evidence is currently insufficient to determine the role of this variant in disease. Therefore, it has been classified as a Variant of Uncertain Significance.